The following is an entry in ClinVar:

ClinVar aggregate classification (germline): Uncertain significance (1 of 4 stars; one submission).

Conditions:
Evans syndrome, immunodeficiency, and premature immunosenescence associated with tripeptidyl-peptidase II deficiency. Identifiers: MedGen CN231723. Disease mechanism: loss of function.

Allele frequency attached by ClinVar (database versions not stated): gnomAD exomes below 0.00001.

Submission:

Labcorp Genetics (formerly Invitae), Labcorp
Classification: Uncertain significance for Evans syndrome, immunodeficiency, and premature immunosenescence associated with tripeptidyl-peptidase II deficiency. Last evaluated: 2019-04-09. Review status: criteria provided, single submitter. Criteria: Invitae Variant Classification Sherloc (09022015). Collection method: clinical testing. Allele origin: germline.
Comment: In summary, the available evidence is currently insufficient to determine the role of this variant in disease. Therefore, it has been classified as a Variant of Uncertain Significance. Algorithms developed to predict the effect of missense changes on protein structure and function output the following: SIFT: "Tolerated"; PolyPhen-2: "Benign"; Align-GVGD: "Class C0". The isoleucine amino acid residue is found in multiple mammalian species, suggesting that this missense change does not adversely affect protein function. These predictions have not been confirmed by published functional studies and their clinical significance is uncertain. This variant has not been reported in the literature in individuals with TPP2-related conditions. This variant is not present in population databases (ExAC no frequency). This sequence change replaces valine with isoleucine at codon 986 of the TPP2 protein (p.Val986Ile). The valine residue is moderately conserved and there is a small physicochemical difference between valine and isoleucine.

NM_001330588.2(TPP2):c.2995G>A (p.Val999Ile)

Gene: TPP2 (tripeptidyl peptidase 2; plus strand). Cytogenetic location: 13q33.1.
Variant type: single nucleotide variant.
Coding change: c.2995G>A on transcript NM_001330588.2 (MANE Select); coding-DNA position 2995, G replaced by A.
Protein change: p.Val999Ile; replaces valine 999 with isoleucine.
Molecular consequence: missense variant. On other transcripts: non-coding transcript variant (1).
Genome position (GRCh38, 1-based): chr13:102,657,059, G>A. VCF-style: chr13-102657059-G-A. GRCh37 (hg19) VCF-style: chr13-103309409-G-A.
Other names: c.2956G>A, p.Val986Ile (NM_001367947.1, NM_003291.4); short protein forms V986I, V999I.
Identifiers: ClinVar variation 842139 (VCV000842139.9), dbSNP rs1883905757, ClinGen allele CA388503700.
Genomic context (GRCh38, chr13:102,657,059, plus strand): 5'-TTTTGATGTATGTAAAATTAAGCATATTAATCTAAGAATCTCTCTCCACATTCGTAGGAT[G>A]TAATCCCTGTTCATTACTACTTAATACCTCCACCAACAAAGACTAAGAATGGCAGCAAAG-3'
Protein context (NP_001317517.1, residues 989-1009): AKRQGKFKKD[Val999Ile]IPVHYYLIPP